The following is an entry in ClinVar:

NC_000015.9:g.(?_91291282)_(91292741_?)del

Gene: BLM (BLM RecQ like helicase; plus strand). Cytogenetic location: 15q26.1.
Variant type: Deletion.
Identifiers: ClinVar variation 3243695 (VCV003243695.1).

ClinVar aggregate classification (germline): Likely pathogenic (1 of 4 stars; one submission).

Conditions:
Bloom syndrome (BLM). Also called: Bloom-Torre-Machacek syndrome. Identifiers: Orphanet 125, MedGen C0005859, MONDO:0008876, OMIM 210900.

Submission:

Labcorp Genetics (formerly Invitae), Labcorp
Classification: Likely pathogenic for Bloom syndrome. Last evaluated: 2023-06-26. Review status: criteria provided, single submitter. Criteria: Invitae Variant Classification Sherloc (09022015). Collection method: clinical testing. Allele origin: unknown.
Comment: In summary, the currently available evidence indicates that the variant is pathogenic, but additional data are needed to prove that conclusively. Therefore, this variant has been classified as Likely Pathogenic. Experimental studies and prediction algorithms are not available or were not evaluated, and the functional significance of this variant is currently unknown. This variant has not been reported in the literature in individuals affected with BLM-related conditions. This variant results in the deletion of part of exon 3 (c.98+562_243delinsAAAT) of the BLM gene. It is expected to disrupt RNA splicing. Variants that disrupt the donor or acceptor splice site typically lead to a loss of protein function (PMID: 16199547), and loss-of-function variants in BLM are known to be pathogenic (PMID: 17407155).

Literature cited by the submitters: PubMed 16199547; PubMed 17407155.